The following is an entry in ClinVar:

ClinVar aggregate classification (germline): Uncertain significance (1 of 4 stars; one submission).

Conditions:
Cardiovascular phenotype. Identifiers: MedGen CN230736.
Hereditary cancer-predisposing syndrome. Also called: Tumor predisposition; Neoplastic Syndromes, Hereditary; Hereditary neoplastic syndrome; Hereditary Cancer Syndrome. Identifiers: Orphanet 140162, MedGen C0027672, MeSH D009386, MONDO:0015356.

Submission:

Ambry Genetics
Classification: Uncertain significance for Cardiovascular phenotype; Hereditary cancer-predisposing syndrome. Last evaluated: 2025-07-25. Review status: criteria provided, single submitter. Criteria: Ambry Variant Classification Scheme 2023. Collection method: clinical testing. Allele origin: germline.
Comment: The p.D201H variant (also known as c.601G>C), located in coding exon 7 of the LZTR1 gene, results from a G to C substitution at nucleotide position 601. The aspartic acid at codon 201 is replaced by histidine, an amino acid with similar properties. This amino acid position is conserved. In addition, this alteration is predicted to be deleterious by in silico analysis. Based on the available evidence, the clinical significance of this variant remains unclear.

NM_006767.4(LZTR1):c.601G>C (p.Asp201His)

Gene: LZTR1 (leucine zipper like post translational regulator 1; plus strand). Cytogenetic location: 22q11.21.
Variant type: single nucleotide variant.
Coding change: c.601G>C on transcript NM_006767.4 (MANE Select); coding-DNA position 601, G replaced by C.
Protein change: p.Asp201His; replaces aspartic acid 201 with histidine.
Molecular consequence: missense variant.
Genome position (GRCh38, 1-based): chr22:20,989,632, G>C. VCF-style: chr22-20989632-G-C. GRCh37 (hg19) VCF-style: chr22-21343921-G-C.
Other names: short protein forms D201H.
Identifiers: ClinVar variation 4101842 (VCV004101842.1).